The following is an entry in ClinVar:

NM_025074.7(FRAS1):c.5851A>T (p.Ile1951Phe)

Gene: FRAS1 (Fraser extracellular matrix complex subunit 1; plus strand). Cytogenetic location: 4q21.21.
Variant type: single nucleotide variant.
Coding change: c.5851A>T on transcript NM_025074.7 (MANE Select); coding-DNA position 5851, A replaced by T.
Protein change: p.Ile1951Phe; replaces isoleucine 1951 with phenylalanine.
Molecular consequence: missense variant.
Genome position (GRCh38, 1-based): chr4:78,445,707, A>T. VCF-style: chr4-78445707-A-T. GRCh37 (hg19) VCF-style: chr4-79366861-A-T.
Other names: c.5851A>T, p.Ile1951Phe (NM_001166133.2); short protein forms I1951F.
Identifiers: ClinVar variation 452812 (VCV000452812.4), dbSNP rs376782001, ClinGen allele CA2977614.

ClinVar aggregate classification (germline): Uncertain significance. Review status: criteria provided, multiple submitters, no conflicts (2 of 4 stars). 2 submissions from 2 submitters: Uncertain significance (2). Last evaluated 2024-05-07.

Conditions:
Inborn genetic diseases. Identifiers: MedGen C0950123, MeSH D030342.

Allele frequency attached by ClinVar (database versions not stated): gnomAD exomes below 0.00001 and 0.00003; ExAC 0.00001; gnomAD 0.00002; TOPMed 0.00002; ESP Exome Variant Server 0.00008.
gnomAD v4.1: 42 of 1,613,802 alleles (0.0026%); highest among the groups gnomAD compares: Non-Finnish European, 0.0035%; no homozygotes.

Submissions (2):

Ambry Genetics
Classification: Uncertain significance for Inborn genetic diseases. Last evaluated: 2024-05-07. Review status: criteria provided, single submitter. Criteria: Ambry Variant Classification Scheme 2023. Collection method: clinical testing. Allele origin: germline.

GeneDx
Classification: Uncertain significance. Last evaluated: 2020-08-14. Review status: criteria provided, single submitter. Criteria: GeneDx Variant Classification Process June 2021. Collection method: clinical testing. Allele origin: germline. Affected: yes.
Comment: Not observed at a significant frequency in large population cohorts (Lek et al., 2016); In silico analysis supports that this missense variant has a deleterious effect on protein structure/function; Has not been previously published as pathogenic or benign to our knowledge